The following is an entry in ClinVar:

ClinVar aggregate classification (germline): Likely benign. Review status: criteria provided, multiple submitters, no conflicts (2 of 4 stars). 3 submissions from 3 submitters: Likely benign (3). Last evaluated 2025-09-03.

Conditions:
Supravalvar aortic stenosis (SVAS). Also called: Supravalvar aortic stenosis, Eisenberg type. Identifiers: Orphanet 3193, MedGen C0003499, MONDO:0008504, OMIM 185500, HP:0004381.

Submissions (3):

Labcorp Genetics (formerly Invitae), Labcorp
Classification: Likely benign for Supravalvar aortic stenosis. Last evaluated: 2025-09-03. Review status: criteria provided, single submitter. Criteria: Invitae Variant Classification Sherloc (09022015). Collection method: clinical testing. Allele origin: germline.

Blueprint Genetics
Classification: Likely benign. Last evaluated: 2023-12-27. Review status: criteria provided, single submitter. Criteria: ACMG Guidelines, 2015. Collection method: clinical testing. Allele origin: germline.

GeneDx
Classification: Likely benign. Last evaluated: 2017-10-03. Review status: criteria provided, single submitter. Criteria: GeneDx Variant Classification (06012015). Collection method: clinical testing. Allele origin: germline. Affected: yes.
Comment: This variant is considered likely benign or benign based on one or more of the following criteria: it is a conservative change, it occurs at a poorly conserved position in the protein, it is predicted to be benign by multiple in silico algorithms, and/or has population frequency not consistent with disease.

NM_000501.4(ELN):c.1414+11dup

Gene: ELN (elastin; plus strand). Cytogenetic location: 7q11.23.
Variant type: Duplication.
Coding change: c.1414+11dup on transcript NM_000501.4 (MANE Select); 11 bases into the intron after coding-DNA position 1414, one base duplicated (C; older notation c.1414+11dupC).
Molecular consequence: intron variant.
Genome position (GRCh38, 1-based): chr7:74,057,707, C duplicated; the last of 5 consecutive C bases (chr7:74,057,703-74,057,707); duplicating any one gives the same sequence. VCF-style (leftmost placement, unchanged base first): chr7-74057702-T-TC. GRCh37 (hg19) VCF-style: chr7-73472032-T-TC.
Other names: c.1414+11dupC (NM_000501.2); c.1429+11dup (NM_001081754.3); c.1372+994dup (NM_001081753.3); c.1501+11dup (NM_001278939.2); c.1414+11dup (NM_001278915.2, NM_001278912.2); c.1357+994dup (NM_001081755.3); c.1315+994dup (NM_001278916.2); c.1171+994dup (NM_001278913.2); and 4 more.
Identifiers: ClinVar variation 422829 (VCV000422829.9), dbSNP rs782491657, ClinGen allele CA4293025.